The following is an entry in ClinVar:

NM_006118.4(HAX1):c.341C>T (p.Thr114Ile)

Gene: HAX1 (HCLS1 associated protein X-1; plus strand). Cytogenetic location: 1q21.3.
Variant type: single nucleotide variant.
Coding change: c.341C>T on transcript NM_006118.4 (MANE Select); coding-DNA position 341, C replaced by T.
Protein change: p.Thr114Ile; replaces threonine 114 with isoleucine.
Molecular consequence: missense variant.
Genome position (GRCh38, 1-based): chr1:154,273,798, C>T. VCF-style: chr1-154273798-C-T. GRCh37 (hg19) VCF-style: chr1-154246274-C-T.
Other names: c.197C>T, p.Thr66Ile (NM_001018837.2); short protein forms T66I, T114I.
Identifiers: ClinVar variation 3524104 (VCV003524104.2).

ClinVar aggregate classification (germline): Uncertain significance (1 of 4 stars; one submission).

Conditions:
Inborn genetic diseases. Identifiers: MedGen C0950123, MeSH D030342.

Submission:

Ambry Genetics
Classification: Uncertain significance for Inborn genetic diseases. Last evaluated: 2025-02-11. Review status: criteria provided, single submitter. Criteria: Ambry Variant Classification Scheme 2023. Collection method: clinical testing. Allele origin: germline.
Comment: The p.T114I variant (also known as c.341C>T), located in coding exon 3 of the HAX1 gene, results from a C to T substitution at nucleotide position 341. The threonine at codon 114 is replaced by isoleucine, an amino acid with similar properties. This amino acid position is conserved. In addition, this alteration is predicted to be tolerated by in silico analysis. Based on the available evidence, the clinical significance of this variant remains unclear.